The following is an entry in ClinVar:

ClinVar aggregate classification (germline): Likely benign. Review status: criteria provided, single submitter (1 of 4 stars). 2 submissions from 2 submitters: Likely benign (1). 1 of the submissions does not count toward it. Last evaluated 2024-01-15.

Conditions:
FMN1-related disorder. Also called: FMN1-related condition.

Allele frequency attached by ClinVar (database versions not stated): gnomAD exomes 0.00004; 1000 Genomes Project 30x 0.00047; gnomAD 0.00049; TOPMed 0.00054; 1000 Genomes Project 0.00080.
gnomAD v4.1: 143 of 1,536,186 alleles (0.0093%); highest among the groups gnomAD compares: African/African-American, 0.15%; no homozygotes.

Submissions (2):

Labcorp Genetics (formerly Invitae), Labcorp
Classification: Likely benign. Last evaluated: 2024-01-15. Review status: criteria provided, single submitter. Criteria: Invitae Variant Classification Sherloc (09022015). Collection method: clinical testing. Allele origin: germline.

PreventionGenetics, part of Exact Sciences
Classification: Likely benign for FMN1-related condition. Last evaluated: 2020-01-02. Review status: no assertion criteria provided. Collection method: clinical testing. Allele origin: germline. Not counted in ClinVar's aggregate classification.
Comment: This variant is classified as likely benign based on ACMG/AMP sequence variant interpretation guidelines (Richards et al. 2015 PMID: 25741868, with internal and published modifications).

NM_001277313.2(FMN1):c.495G>A (p.Arg165=)

Gene: FMN1 (formin 1; minus strand). Cytogenetic location: 15q13.3.
Variant type: single nucleotide variant.
Coding change: c.495G>A on transcript NM_001277313.2 (MANE Select); coding-DNA position 495, G replaced by A.
Protein change: p.Arg165=; no amino-acid change (arginine 165 retained).
Molecular consequence: synonymous variant.
Genome position (GRCh38, 1-based): chr15:33,154,420, C>T on the plus strand (G>A on the coding strand, the complement: FMN1 is on the minus strand). VCF-style: chr15-33154420-C-T. GRCh37 (hg19) VCF-style: chr15-33446621-C-T.
Other names: c.495G>A, p.Arg165= (NM_001277314.2); c.495G>A (NM_001277313.1).
Identifiers: ClinVar variation 2727380 (VCV002727380.5), dbSNP rs532208882, ClinGen allele CA7457590.